The following is an entry in ClinVar:

NM_001563.4(IMPG1):c.1136-3T>C

Gene: IMPG1 (interphotoreceptor matrix proteoglycan 1; minus strand). Cytogenetic location: 6q14.1.
Variant type: single nucleotide variant.
Coding change: c.1136-3T>C on transcript NM_001563.4 (MANE Select); 3 bases into the intron before coding-DNA position 1136, T replaced by C.
Molecular consequence: intron variant.
Genome position (GRCh38, 1-based): chr6:76,003,953, A>G on the plus strand (T>C on the coding strand, the complement: IMPG1 is on the minus strand). VCF-style: chr6-76003953-A-G. GRCh37 (hg19) VCF-style: chr6-76713670-A-G.
Other names: c.902-3T>C (NM_001282368.2).
Identifiers: ClinVar variation 2121434 (VCV002121434.4), dbSNP rs781010652, ClinGen allele CA3898217.

ClinVar aggregate classification (germline): Uncertain significance (1 of 4 stars; one submission).

Allele frequency attached by ClinVar (database versions not stated): gnomAD exomes below 0.00001; ExAC 0.00001.
gnomAD v4.1: 3 of 1,608,986 alleles (0.00019%); highest among the groups gnomAD compares: Admixed American, 0.0017%; no homozygotes.

Submission:

Labcorp Genetics (formerly Invitae), Labcorp
Classification: Uncertain significance. Last evaluated: 2022-12-06. Review status: criteria provided, single submitter. Criteria: Invitae Variant Classification Sherloc (09022015). Collection method: clinical testing. Allele origin: germline.
Comment: In summary, the available evidence is currently insufficient to determine the role of this variant in disease. Therefore, it has been classified as a Variant of Uncertain Significance. Variants that disrupt the consensus splice site are a relatively common cause of aberrant splicing (PMID: 17576681, 9536098). Algorithms developed to predict the effect of sequence changes on RNA splicing suggest that this variant is not likely to affect RNA splicing. This variant has not been reported in the literature in individuals affected with IMPG1-related conditions. This variant is present in population databases (rs781010652, gnomAD 0.003%). This sequence change falls in intron 10 of the IMPG1 gene. It does not directly change the encoded amino acid sequence of the IMPG1 protein. It affects a nucleotide within the consensus splice site.

Literature cited by the submitters: PubMed 17576681; PubMed 9536098.